The following is an entry in ClinVar:

NM_001372044.2(SHANK3):c.1875C>T (p.His625=)

Genes: SHANK3 (SH3 and multiple ankyrin repeat domains 3; plus strand), LOC126863188 (CDK7 strongly-dependent group 2 enhancer GRCh37_chr22:51142004-51143203; plus strand). Cytogenetic location: 22q13.33.
Variant type: single nucleotide variant.
Coding change: c.1875C>T on transcript NM_001372044.2 (MANE Select); coding-DNA position 1875, C replaced by T.
Protein change: p.His625=; no amino-acid change (histidine 625 retained).
Molecular consequence: synonymous variant.
Genome position (GRCh38, 1-based): chr22:50,703,897, C>T. VCF-style: chr22-50703897-C-T. GRCh37 (hg19) VCF-style: chr22-51142325-C-T.
Identifiers: ClinVar variation 4687446 (VCV004687446.1).

ClinVar aggregate classification (germline): Uncertain significance (1 of 4 stars; one submission).

Submission:

Women's Health and Genetics/Laboratory Corporation of America, LabCorp
Classification: Uncertain significance. Last evaluated: 2025-10-08. Review status: criteria provided, single submitter. Criteria: LabCorp Variant Classification Summary - May 2015. Collection method: clinical testing. Allele origin: germline.
Comment: Variant summary: SHANK3 c.1875C>T (p.Ser625Ser) alters a conserved nucleotide located close to a canonical splice site and therefore could affect mRNA splicing, leading to a significantly altered protein sequence. Consensus agreement among computation tools predict no significant impact on normal splicing. However, these predictions have yet to be confirmed by functional studies. The variant allele was found at a frequency of 2.1e-05 in 192382 control chromosomes. The available data on variant occurrences in the general population are insufficient to allow any conclusion about variant significance. To our knowledge, no occurrence of c.1875C>T in individuals affected with SHANK3-related conditions and no experimental evidence demonstrating its impact on protein function have been reported. ClinVar contains an entry for this variant (Variation ID: 2623165). Based on the evidence outlined above, the variant was classified as uncertain significance.